The following is an entry in ClinVar:

NM_015166.4(MLC1):c.299_423+108del

Gene: MLC1 (modulator of VRAC current 1; minus strand). Cytogenetic location: 22q13.33.
Variant type: Deletion.
Coding change: c.299_423+108del on transcript NM_015166.4 (MANE Select); coding-DNA position 299 through 108 bases into the intron after coding-DNA position 423, 557 bases deleted.
Molecular consequence: splice acceptor variant, splice donor variant. On other transcripts: intron variant (2).
Genome position (GRCh38, 1-based): chr22:50,079,810-50,080,366, 557 bases deleted. GRCh37 (hg19): chr22:50,518,239-50,518,795.
Other names: c.299_423+108del (NM_001376474.1, NM_001376475.1, NM_001376476.1 and 6 more transcripts); c.62_186+108del (NM_001376484.1); c.209_333+108del (NM_001376480.1); c.267+2718_268-2308del (NM_001376482.1, NM_001376483.1); c.299_321+534del (NM_001376481.1).
Identifiers: ClinVar variation 660628 (VCV000660628.6), dbSNP rs1602049346, ClinGen allele CA915952832.

ClinVar aggregate classification (germline): Pathogenic/Likely pathogenic. Review status: criteria provided, multiple submitters, no conflicts (2 of 4 stars). 2 submissions from 2 submitters: Pathogenic (1); Likely pathogenic (1). Last evaluated 2025-04-24.

Conditions:
Megalencephalic leukoencephalopathy with subcortical cysts. Also called: VAN DER KNAAP DISEASE. Identifiers: Orphanet 2478, MedGen C1858854, MONDO:0011391.

Submissions (2):

Labcorp Genetics (formerly Invitae), Labcorp
Classification: Pathogenic. Last evaluated: 2025-04-24. Review status: criteria provided, single submitter. Criteria: Invitae Variant Classification Sherloc (09022015). Collection method: clinical testing. Allele origin: germline.
Comment: This variant results in the deletion of exon 5 and part of exon 4 (c.299_423+108del) of the MLC1 gene. It is expected to disrupt RNA splicing. Variants that disrupt the donor or acceptor splice site typically lead to a loss of protein function (PMID: 16199547), and loss-of-function variants in MLC1 are known to be pathogenic (PMID: 11254442, 16470554, 24824219). This variant is not present in population databases (gnomAD no frequency). This variant has been observed in individuals with clinical features of MLC1-related conditions (PMID: 16652334; internal data). ClinVar contains an entry for this variant (Variation ID: 660628). For these reasons, this variant has been classified as Pathogenic.

Women's Health and Genetics/Laboratory Corporation of America, LabCorp
Classification: Likely pathogenic for Megalencephalic leukoencephalopathy with subcortical cysts. Last evaluated: 2022-09-14. Review status: criteria provided, single submitter. Criteria: LabCorp Variant Classification Summary - May 2015. Collection method: clinical testing. Allele origin: germline.
Comment: Variant summary: The variant identified by MLPA or other technology involves the partial deletion of exon 4 and full deletion of exon 5 in the MLC1 gene. A presumed nomenclature of c.299_423+108del557 has been designated for the purposes of this classification. This variant is expected to result in a large deletion in the MLC1 gene, a known mechanism of disease. The variant was absent in 21694 control chromosomes (gnomAD, Structural Variants dataset). A variant described as c.298_423+108del has been reported in the literature in a homozygous individual affected with Megalencephalic Leukoencephalopathy With Subcortical Cysts 1 (Boor_2006). These data indicate that the variant is likely to be associated with disease. A ClinVar submitter (evaluation after 2014) cites the variant as likely pathogenic. Based on the evidence outlined above, the variant was classified as likely pathogenic.

Literature cited by the submitters: PubMed 16199547 (cited by Labcorp Genetics (formerly Invitae), Labcorp); PubMed 11254442 (cited by Labcorp Genetics (formerly Invitae), Labcorp); PubMed 16470554 (cited by Labcorp Genetics (formerly Invitae), Labcorp); PubMed 24824219 (cited by Labcorp Genetics (formerly Invitae), Labcorp); PubMed 16652334 (cited by Labcorp Genetics (formerly Invitae), Labcorp and Women's Health and Genetics/Laboratory Corporation of America, LabCorp).